The following continues an entry in ClinVar:

NM_000059.4(BRCA2):c.3858_3860del (p.Lys1286del)

Gene: BRCA2. ClinVar aggregate classification (germline): Conflicting classifications of pathogenicity. Uncertain significance (4); Benign (6); Likely benign (9).

Submissions 16 to 24 of 24:

Mayo Clinic Laboratories, Mayo Clinic
Classification: Uncertain significance. Last evaluated: 2019-11-03. Review status: criteria provided, single submitter. Criteria: ACMG Guidelines, 2015. Collection method: clinical testing. Allele origin: germline. Observed: 1 variant allele.

Mendelics
Classification: Likely benign for Breast-ovarian cancer, familial, susceptibility to, 2. Last evaluated: 2019-05-28. Review status: criteria provided, single submitter. Criteria: Mendelics Assertion Criteria 2017. Collection method: clinical testing. Allele origin: unknown.

Ambry Genetics
Classification: Likely benign for Hereditary cancer-predisposing syndrome. Last evaluated: 2018-09-19. Review status: criteria provided, single submitter. Criteria: Ambry Variant Classification Scheme 2023. Collection method: clinical testing. Allele origin: germline.

Color Diagnostics, LLC DBA Color Health
Classification: Likely benign for Hereditary cancer-predisposing syndrome. Last evaluated: 2015-09-21. Review status: criteria provided, single submitter. Criteria: ACMG Guidelines, 2015. Collection method: clinical testing. Allele origin: germline.

PreventionGenetics, part of Exact Sciences
Classification: Likely benign for BRCA2-related condition. Last evaluated: 2020-08-02. Review status: no assertion criteria provided. Collection method: clinical testing. Allele origin: germline. Not counted in ClinVar's aggregate classification.
Comment: This variant is classified as likely benign based on ACMG/AMP sequence variant interpretation guidelines (Richards et al. 2015 PMID: 25741868, with internal and published modifications).

Sharing Clinical Reports Project (SCRP)
Classification: Benign for Breast-ovarian cancer, familial 2. Last evaluated: 2009-09-25. Review status: no assertion criteria provided. Collection method: clinical testing. Allele origin: germline. Not counted in ClinVar's aggregate classification.

Breast Cancer Information Core (BIC) (BRCA2)
Classification: Uncertain significance for Breast-ovarian cancer, familial 2. Last evaluated: 2004-02-20. Review status: no assertion criteria provided. Collection method: clinical testing. Allele origin: germline. Affected: yes. Observed: 6 variant alleles. Not counted in ClinVar's aggregate classification.

Department of Pathology and Laboratory Medicine, Sinai Health System
Classification: Uncertain significance for Malignant tumor of breast. Review status: no assertion criteria provided. Collection method: clinical testing. Allele origin: unknown. Affected: yes. Study: The Canadian Open Genetics Repository (COGR). Not counted in ClinVar's aggregate classification.
Comment: The p.Lys1286del variant has been previously reported in the literature (Wagner 1999), and was listed 7X in the BIC database with unknown clinical significance. It is listed in the dbSNP database as coming from a â€šÃ„Ãºclinical sourceâ€šÃ„Ã¹ (ID#: rs80359407) however no frequency information was provided. This is an in frame-deletion which removes amino acid, Lys, from the encoded BRCA2 protein at codon 1286, however the impact on the protein function is not known. In summary, the clinical significance of this variant cannot be determined with certainty at this time. Therefore this variant is classified as a variant of unknown significance (VUS).

Molecular Oncology -  Human Genetics Lab, University of Sao Paulo
Classification: Uncertain significance for Hepatoblastoma. Review status: no assertion criteria provided. Collection method: research. Allele origin: germline. Affected: yes. Not counted in ClinVar's aggregate classification.

Literature cited by the submitters: PubMed 27741520 (cited by Quest Diagnostics Nichols Institute San Juan Capistrano and Women's Health and Genetics/Laboratory Corporation of America, LabCorp); PubMed 33643918 (cited by Quest Diagnostics Nichols Institute San Juan Capistrano and Women's Health and Genetics/Laboratory Corporation of America, LabCorp); PubMed 19941162 (cited by Quest Diagnostics Nichols Institute San Juan Capistrano and Women's Health and Genetics/Laboratory Corporation of America, LabCorp); PubMed 9971877 (cited by 3 submitters); PubMed 10717622 (cited by 3 submitters); PubMed 35534704 (cited by Quest Diagnostics Nichols Institute San Juan Capistrano); PubMed 35495172 (cited by Quest Diagnostics Nichols Institute San Juan Capistrano); PubMed 26933808 (cited by Quest Diagnostics Nichols Institute San Juan Capistrano and Women's Health and Genetics/Laboratory Corporation of America, LabCorp); PubMed 23056405 (cited by Women's Health and Genetics/Laboratory Corporation of America, LabCorp); PubMed 17826769 (cited by Women's Health and Genetics/Laboratory Corporation of America, LabCorp); PubMed 35039564 (cited by Women's Health and Genetics/Laboratory Corporation of America, LabCorp); DOI 10.3389/fgene.2022.834265 (cited by National Health Laboratory Service, Universitas Academic Hospital and University of the Free State).